The following is an entry in ClinVar:

NM_058216.3(RAD51C):c.78G>A (p.Lys26=)

Gene: RAD51C (RAD51 paralog C; plus strand). Cytogenetic location: 17q22.
Variant type: single nucleotide variant.
Coding change: c.78G>A on transcript NM_058216.3 (MANE Select); coding-DNA position 78, G replaced by A.
Protein change: p.Lys26=; no amino-acid change (lysine 26 retained).
Molecular consequence: synonymous variant. On other transcripts: non-coding transcript variant (1).
Genome position (GRCh38, 1-based): chr17:58,692,721, G>A. VCF-style: chr17-58692721-G-A. GRCh37 (hg19) VCF-style: chr17-56770082-G-A.
Other names: c.78G>A, p.Lys26= (NM_002876.4).
Identifiers: ClinVar variation 220288 (VCV000220288.18), dbSNP rs864622460, ClinGen allele CA350734.

ClinVar aggregate classification (germline): Benign/Likely benign. Review status: criteria provided, multiple submitters, no conflicts (2 of 4 stars). 4 submissions from 4 submitters: Benign (1); Likely benign (3). Last evaluated 2025-12-24.

Conditions:
Hereditary cancer-predisposing syndrome. Also called: Tumor predisposition; Hereditary neoplastic syndrome; Neoplastic Syndromes, Hereditary; Hereditary Cancer Syndrome. Identifiers: Orphanet 140162, MedGen C0027672, MeSH D009386, MONDO:0015356.
Breast-ovarian cancer, familial, susceptibility to, 3. Also called: RAD51C-Related Breast/Ovarian Cancer. Identifiers: Orphanet 145, MedGen C3150659, MONDO:0013253, OMIM 613399.
Fanconi anemia complementation group O. Also called: RAD51C-Related Fanconi Anemia. Identifiers: Orphanet 84, MedGen C3150653, MONDO:0013248, OMIM 613390.

Allele frequency attached by ClinVar (database versions not stated): gnomAD exomes below 0.00001; gnomAD 0.00001; TOPMed 0.00001.
gnomAD v4.1: 2 of 1,614,142 alleles (0.00012%); highest among the groups gnomAD compares: African/African-American, 0.0027%; no homozygotes.

Submissions (4):

Labcorp Genetics (formerly Invitae), Labcorp
Classification: Likely benign for Fanconi anemia complementation group O. Last evaluated: 2025-12-24. Review status: criteria provided, single submitter. Criteria: Invitae Variant Classification Sherloc (09022015). Collection method: clinical testing. Allele origin: germline.

Quest Diagnostics Nichols Institute San Juan Capistrano
Classification: Likely benign. Last evaluated: 2025-04-12. Review status: criteria provided, single submitter. Criteria: Quest Diagnostics criteria. Collection method: clinical testing. Allele origin: unknown.

Myriad Genetics, Inc.
Classification: Benign for Breast-ovarian cancer, familial, susceptibility to, 3. Last evaluated: 2025-02-14. Review status: criteria provided, single submitter. Criteria: Myriad Autosomal Dominant, Autosomal Recessive and X-Linked Classification Criteria (2023). Collection method: clinical testing. Allele origin: unknown.
Comment: This variant is considered benign. This variant is a silent/synonymous amino acid change and it is not expected to impact splicing.

Ambry Genetics
Classification: Likely benign for Hereditary cancer-predisposing syndrome. Last evaluated: 2018-11-29. Review status: criteria provided, single submitter. Criteria: Ambry Variant Classification Scheme 2023. Collection method: clinical testing. Allele origin: germline.